The following is an entry in ClinVar:

ClinVar aggregate classification (germline): Conflicting classifications of pathogenicity. Review status: criteria provided, conflicting classifications (1 of 4 stars). 2 submissions from 2 submitters: Uncertain significance (1); Likely benign (1). Last evaluated 2025-12-09.

Conditions:
Inborn genetic diseases. Identifiers: MedGen C0950123, MeSH D030342.

gnomAD v4.1: 20 of 1,612,614 alleles (0.0012%); highest among the groups gnomAD compares: South Asian, 0.0044%; no homozygotes.

Submissions (2):

Ambry Genetics
Classification: Likely benign for Inborn genetic diseases. Last evaluated: 2025-12-09. Review status: criteria provided, single submitter. Criteria: Ambry Variant Classification Scheme 2023. Collection method: clinical testing. Allele origin: germline.

Labcorp Genetics (formerly Invitae), Labcorp
Classification: Uncertain significance. Last evaluated: 2025-06-02. Review status: criteria provided, single submitter. Criteria: Invitae Variant Classification Sherloc (09022015). Collection method: clinical testing. Allele origin: germline.
Comment: This sequence change replaces serine, which is neutral and polar, with leucine, which is neutral and non-polar, at codon 999 of the FRAS1 protein (p.Ser999Leu). This variant is present in population databases (rs537771946, gnomAD 0.007%). This variant has not been reported in the literature in individuals affected with FRAS1-related conditions. An algorithm developed to predict the effect of missense changes on protein structure and function outputs the following: PolyPhen-2: "Benign". The leucine amino acid residue is found in multiple mammalian species, which suggests that this missense change does not adversely affect protein function. In summary, the available evidence is currently insufficient to determine the role of this variant in disease. Therefore, it has been classified as a Variant of Uncertain Significance.

NM_025074.7(FRAS1):c.2996C>T (p.Ser999Leu)

Gene: FRAS1 (Fraser extracellular matrix complex subunit 1; plus strand). Cytogenetic location: 4q21.21.
Variant type: single nucleotide variant.
Coding change: c.2996C>T on transcript NM_025074.7 (MANE Select); coding-DNA position 2996, C replaced by T.
Protein change: p.Ser999Leu; replaces serine 999 with leucine.
Molecular consequence: missense variant.
Genome position (GRCh38, 1-based): chr4:78,372,844, C>T. VCF-style: chr4-78372844-C-T. GRCh37 (hg19) VCF-style: chr4-79293998-C-T.
Other names: c.2996C>T, p.Ser999Leu (NM_001166133.2); short protein forms S999L.
Identifiers: ClinVar variation 4620285 (VCV004620285.2).
Genomic context (GRCh38, chr4:78,372,844, plus strand): 5'-GCTATGTTCTCCAGGATGGGGCCTGCGTGGAGCAGTGCTTGTCATCATTTTACCAGGACT[C>T]GGGCCTCTGCAAGAGTAAGTGTGTAGAGGCCCTGCTCTGTGCTCAGCCATACCTTGGCCA-3'
Protein context (NP_079350.5, residues 989-1009): EQCLSSFYQD[Ser999Leu]GLCKNCDSYC